The following is an entry in ClinVar:

ClinVar aggregate classification (germline): Uncertain significance (1 of 4 stars; one submission).

Conditions:
Maple syrup urine disease, mild variant (MSUDMV). Identifiers: Orphanet 511, MedGen C3554575, MONDO:0014057, OMIM 615135.

Allele frequency attached by ClinVar (database versions not stated): gnomAD 0.00001.
gnomAD v4.1: 10 of 1,614,078 alleles (0.00062%); highest among the groups gnomAD compares: Non-Finnish European, 0.00085%; no homozygotes.

Submission:

Labcorp Genetics (formerly Invitae), Labcorp
Classification: Uncertain significance for Maple syrup urine disease, mild variant. Last evaluated: 2024-12-02. Review status: criteria provided, single submitter. Criteria: Invitae Variant Classification Sherloc (09022015). Collection method: clinical testing. Allele origin: germline.
Comment: This sequence change replaces tyrosine, which is neutral and polar, with phenylalanine, which is neutral and non-polar, at codon 83 of the PPM1K protein (p.Tyr83Phe). This variant is present in population databases (no rsID available, gnomAD 0.007%). This variant has not been reported in the literature in individuals affected with PPM1K-related conditions. ClinVar contains an entry for this variant (Variation ID: 2910437). An algorithm developed to predict the effect of missense changes on protein structure and function (PolyPhen-2) suggests that this variant is likely to be disruptive. In summary, the available evidence is currently insufficient to determine the role of this variant in disease. Therefore, it has been classified as a Variant of Uncertain Significance.

NM_152542.5(PPM1K):c.248A>T (p.Tyr83Phe)

Gene: PPM1K (protein phosphatase, Mg2+/Mn2+ dependent 1K; minus strand). Cytogenetic location: 4q22.1.
Variant type: single nucleotide variant.
Coding change: c.248A>T on transcript NM_152542.5 (MANE Select); coding-DNA position 248, A replaced by T.
Protein change: p.Tyr83Phe; replaces tyrosine 83 with phenylalanine.
Molecular consequence: missense variant.
Genome position (GRCh38, 1-based): chr4:88,278,336, T>A on the plus strand (A>T on the coding strand, the complement: PPM1K is on the minus strand). VCF-style: chr4-88278336-T-A. GRCh37 (hg19) VCF-style: chr4-89199488-T-A.
Other names: short protein forms Y83F.
Identifiers: ClinVar variation 2910437 (VCV002910437.3), dbSNP rs1235036686, ClinGen allele CA357708031.